The following is an entry in ClinVar:

NM_004946.3(DOCK2):c.4147C>T (p.Pro1383Ser)

Gene: DOCK2 (dedicator of cytokinesis 2; plus strand). Cytogenetic location: 5q35.1.
Variant type: single nucleotide variant.
Coding change: c.4147C>T on transcript NM_004946.3 (MANE Select); coding-DNA position 4147, C replaced by T.
Protein change: p.Pro1383Ser; replaces proline 1383 with serine.
Molecular consequence: missense variant. On other transcripts: non-coding transcript variant (1).
Genome position (GRCh38, 1-based): chr5:170,050,331, C>T. VCF-style: chr5-170050331-C-T. GRCh37 (hg19) VCF-style: chr5-169477335-C-T.
Other names: c.4147C>T, p.Pro1383Ser (LRG_1227t1); short protein forms P1383S.
Identifiers: ClinVar variation 648012 (VCV000648012.8), dbSNP rs938288633, ClinGen allele CA132004957.
Genomic context (GRCh38, chr5:170,050,331, plus strand): 5'-TACCGCGGGAAGGAATATGAGCGAAGAGAAGATTTCCAGATGCAGCTGATGACCCAGTTC[C>T]CCAATGCAGAGAAGATGAACACCACCTCTGCCCCGGGAGATGATGTGAAGAATGCCCCAG-3'
Protein context (NP_004937.1, residues 1373-1393): DFQMQLMTQF[Pro1383Ser]NAEKMNTTSA

ClinVar aggregate classification (germline): Uncertain significance (1 of 4 stars; one submission).

Conditions:
DOCK2 deficiency. Also called: Immunodeficiency 40. Identifiers: Orphanet 447737, MedGen C4225328, MONDO:0014637, OMIM 616433.

Allele frequency attached by ClinVar (database versions not stated): TOPMed below 0.00001.
gnomAD v4.1: 16 of 1,614,170 alleles (0.00099%); highest among the groups gnomAD compares: Non-Finnish European, 0.0014%; no homozygotes.

Submission:

Labcorp Genetics (formerly Invitae), Labcorp
Classification: Uncertain significance for DOCK2 deficiency. Last evaluated: 2018-07-28. Review status: criteria provided, single submitter. Criteria: Invitae Variant Classification Sherloc (09022015). Collection method: clinical testing. Allele origin: germline.
Comment: This sequence change replaces proline with serine at codon 1383 of the DOCK2 protein (p.Pro1383Ser). The proline residue is moderately conserved and there is a moderate physicochemical difference between proline and serine. In summary, the available evidence is currently insufficient to determine the role of this variant in disease. Therefore, it has been classified as a Variant of Uncertain Significance. Algorithms developed to predict the effect of missense changes on protein structure and function are either unavailable or do not agree on the potential impact of this missense change (SIFT: "Tolerated"; PolyPhen-2: "Probably Damaging"; Align-GVGD: "Class C0"). This variant has not been reported in the literature in individuals with DOCK2-related disease. This variant is not present in population databases (ExAC no frequency).